The following is an entry in ClinVar:

ClinVar aggregate classification (germline): Pathogenic/Likely pathogenic. Review status: criteria provided, multiple submitters, no conflicts (2 of 4 stars). 7 submissions from 7 submitters: Pathogenic (2); Likely pathogenic (4). 1 of the submissions does not count toward it. Last evaluated 2025-12-09.

Conditions:
Hearing loss, autosomal recessive 57. Also called: DEAFNESS, AUTOSOMAL RECESSIVE 57. Identifiers: MedGen C4693893, MONDO:0033201, OMIM 618003.
PDZD7-related disorder. Also called: PDZD7-related condition; PDZD7-related disorders.
Usher syndrome type 2C. Also called: Usher syndrome, type 2B; USHER SYNDROME, TYPE IIC. Identifiers: Orphanet 231178, Orphanet 886, MedGen C2931213, MONDO:0011558, OMIM 605472.

Allele frequency attached by ClinVar (database versions not stated): ESP Exome Variant Server 0.00008; TOPMed 0.00008.
gnomAD v4.1: 18 of 1,614,152 alleles (0.0011%); highest among the groups gnomAD compares: Middle Eastern, 0.016%; 1 homozygote.

Submissions (7):

Genetics Research Center, University of Social Welfare and Rehabilitation Sciences
Classification: Likely pathogenic for Hearing loss, autosomal recessive 57. Last evaluated: 2025-12-09. Review status: criteria provided, single submitter. Criteria: ACMG Guidelines, 2015. Collection method: research. Allele origin: germline. Affected: yes.
Comment: The variant is present at a very low frequency in the gnomAD v2.1.1 dataset (allele frequency: 0.002%). It has also been observed to segregate with disease in related individuals. Previous studies have reported its association with PDZD7-related disorders (PMID: 26416264, 29048736, 31454969).

Labcorp Genetics (formerly Invitae), Labcorp
Classification: Pathogenic. Last evaluated: 2025-01-29. Review status: criteria provided, single submitter. Criteria: Invitae Variant Classification Sherloc (09022015). Collection method: clinical testing. Allele origin: germline.
Comment: This sequence change replaces glycine, which is neutral and non-polar, with arginine, which is basic and polar, at codon 103 of the PDZD7 protein (p.Gly103Arg). This variant is present in population databases (rs148695069, gnomAD 0.003%). This missense change has been observed in individual(s) with autosomal recessive non-syndromic hearing loss (PMID: 26416264). It has also been observed to segregate with disease in related individuals. ClinVar contains an entry for this variant (Variation ID: 545399). Invitae Evidence Modeling of protein sequence and biophysical properties (such as structural, functional, and spatial information, amino acid conservation, physicochemical variation, residue mobility, and thermodynamic stability) has been performed for this missense variant. However, the output from this modeling did not meet the statistical confidence thresholds required to predict the impact of this variant on PDZD7 protein function. For these reasons, this variant has been classified as Pathogenic.

Genomic Medicine Center of Excellence, King Faisal Specialist Hospital and Research Centre
Classification: Pathogenic for Usher syndrome type 2C. Last evaluated: 2024-03-26. Review status: criteria provided, single submitter. Criteria: ACMG Guidelines, 2015. Collection method: clinical testing. Allele origin: germline.

Blueprint Genetics
Classification: Likely pathogenic for PDZD7-related disorders. Last evaluated: 2023-07-05. Review status: criteria provided, single submitter. Criteria: ACMG Guidelines, 2015. Collection method: clinical testing. Allele origin: germline. Affected: yes. Observed: 3 variant alleles.

Department of Pathology and Laboratory Medicine, Sinai Health System
Classification: Likely pathogenic for Hearing loss, autosomal recessive 57. Last evaluated: 2023-01-27. Review status: criteria provided, single submitter. Criteria: ACMG Guidelines, 2015. Collection method: research. Allele origin: germline.

SIB Swiss Institute of Bioinformatics
Classification: Likely pathogenic for Hearing loss, autosomal recessive 57. Last evaluated: 2018-10-15. Review status: criteria provided, single submitter. Criteria: ACMG Guidelines, 2015. Collection method: curation. Allele origin: germline.
Comment: This variant is interpreted as Likely Pathogenic, for Deafness, autosomal recessive, 57. The following ACMG Tag(s) were applied: PM2 => Absent from controls (or at extremely low frequency if recessive) in Exome Sequencing Project, 1000 Genomes Project, or Exome Aggregation Consortium. PP3 => Multiple lines of computational evidence support a deleterious effect on the gene or gene product. PP1 => Cosegregation with disease in multiple affected family members in a gene definitively known to cause the disease (PubMed 26416264). PM1 => Located in a mutational hot spot and/or critical and well-established functional domain (e.g., active site of an enzyme) without benign variation.

OMIM
Classification: Pathogenic for DEAFNESS, AUTOSOMAL RECESSIVE 57. Last evaluated: 2018-06-01. Review status: no assertion criteria provided. Collection method: literature only. Allele origin: germline. Not counted in ClinVar's aggregate classification.

Literature cited by the submitters: PubMed 26416264 (cited by 4 submitters); PubMed 29048736 (cited by Genetics Research Center, University of Social Welfare and Rehabilitation Sciences); PubMed 31454969 (cited by Genetics Research Center, University of Social Welfare and Rehabilitation Sciences).

NM_001195263.2(PDZD7):c.307G>C (p.Gly103Arg)

Gene: PDZD7 (PDZ domain containing 7; minus strand). Cytogenetic location: 10q24.31.
Variant type: single nucleotide variant.
Coding change: c.307G>C on transcript NM_001195263.2 (MANE Select); coding-DNA position 307, G replaced by C.
Protein change: p.Gly103Arg; replaces glycine 103 with arginine.
Molecular consequence: missense variant.
Genome position (GRCh38, 1-based): chr10:101,023,988, C>G on the plus strand (G>C on the coding strand, the complement: PDZD7 is on the minus strand). VCF-style: chr10-101023988-C-G. GRCh37 (hg19) VCF-style: chr10-102783745-C-G.
Other names: c.307G>C, p.Gly103Arg (NM_001351044.2, NM_024895.5); short protein forms G103R.
Identifiers: ClinVar variation 545399 (VCV000545399.14), dbSNP rs148695069, ClinGen allele CA5654447.